The following is an entry in ClinVar:

NM_000091.5(COL4A3):c.547-2A>G

Genes: COL4A3 (collagen type IV alpha 3 chain; plus strand), MFF-DT (MFF divergent transcript; minus strand). Cytogenetic location: 2q36.3.
Variant type: single nucleotide variant.
Coding change: c.547-2A>G on transcript NM_000091.5 (MANE Select); the canonical splice acceptor site of the intron before coding-DNA position 547, A replaced by G.
Molecular consequence: splice acceptor variant.
Genome position (GRCh38, 1-based): chr2:227,251,138, A>G. VCF-style: chr2-227251138-A-G. GRCh37 (hg19) VCF-style: chr2-228115854-A-G.
Identifiers: ClinVar variation 1503995 (VCV001503995.8), dbSNP rs2125924465, ClinGen allele CA350863656.

ClinVar aggregate classification (germline): Likely pathogenic (1 of 4 stars; one submission).

Submission:

Labcorp Genetics (formerly Invitae), Labcorp
Classification: Likely pathogenic. Last evaluated: 2020-12-24. Review status: criteria provided, single submitter. Criteria: Invitae Variant Classification Sherloc (09022015). Collection method: clinical testing. Allele origin: germline.
Comment: In summary, the currently available evidence indicates that the variant is pathogenic, but additional data are needed to prove that conclusively. Therefore, this variant has been classified as Likely Pathogenic. Algorithms developed to predict the effect of sequence changes on RNA splicing suggest that this variant may disrupt the consensus splice site, but this prediction has not been confirmed by published transcriptional studies. This variant has not been reported in the literature in individuals with COL4A3-related conditions. This variant is not present in population databases (ExAC no frequency). This sequence change affects an acceptor splice site in intron 9 of the COL4A3 gene. It is expected to disrupt RNA splicing. Variants that disrupt the donor or acceptor splice site typically lead to a loss of protein function (PMID: 16199547), and loss-of-function variants in COL4A3 are known to be pathogenic (PMID: 8956999, 24854265, 26809805, 27281700).

Literature cited by the submitters: PubMed 16199547; PubMed 8956999; PubMed 24854265; PubMed 26809805; PubMed 27281700.